The following is an entry in ClinVar:

NM_020765.3(UBR4):c.7305G>A (p.Glu2435=)

Gene: UBR4 (ubiquitin protein ligase E3 component n-recognin 4; minus strand). Cytogenetic location: 1p36.13.
Variant type: single nucleotide variant.
Coding change: c.7305G>A on transcript NM_020765.3 (MANE Select); coding-DNA position 7305, G replaced by A.
Protein change: p.Glu2435=; no amino-acid change (glutamic acid 2435 retained).
Molecular consequence: synonymous variant.
Genome position (GRCh38, 1-based): chr1:19,150,702, C>T on the plus strand (G>A on the coding strand, the complement: UBR4 is on the minus strand). VCF-style: chr1-19150702-C-T. GRCh37 (hg19) VCF-style: chr1-19477196-C-T.
Identifiers: ClinVar variation 791781 (VCV000791781.7), dbSNP rs34498972, ClinGen allele CA650094.

ClinVar aggregate classification (germline): Benign. Review status: criteria provided, multiple submitters, no conflicts (2 of 4 stars). 3 submissions from 3 submitters: Benign (2). 1 of the submissions does not count toward it. Last evaluated 2019-12-31.

Conditions:
UBR4-related disorder. Also called: UBR4-related condition.

Allele frequency attached by ClinVar (database versions not stated): 1000 Genomes Project 0.01757; gnomAD 0.01858 and 0.02013; TOPMed 0.01987; 1000 Genomes Project 30x 0.02030; ESP Exome Variant Server 0.02322.
gnomAD v4.1: 5,367 of 1,614,020 alleles (0.33%); highest among the groups gnomAD compares: African/African-American, 6.4%; 182 homozygotes.

Submissions (3):

Labcorp Genetics (formerly Invitae), Labcorp
Classification: Benign. Last evaluated: 2019-12-31. Review status: criteria provided, single submitter. Criteria: Invitae Variant Classification Sherloc (09022015). Collection method: clinical testing. Allele origin: germline.

Breakthrough Genomics
Classification: Benign. Review status: criteria provided, single submitter. Criteria: ACMG Guidelines, 2015. Collection method: not provided. Allele origin: germline. Inheritance: Unknown mechanism. Affected: yes.

PreventionGenetics, part of Exact Sciences
Classification: Benign for UBR4-related condition. Last evaluated: 2019-02-19. Review status: no assertion criteria provided. Collection method: clinical testing. Allele origin: germline. Not counted in ClinVar's aggregate classification.
Comment: This variant is classified as benign based on ACMG/AMP sequence variant interpretation guidelines (Richards et al. 2015 PMID: 25741868, with internal and published modifications).